The following is an entry in ClinVar:

NM_001029883.3(PCARE):c.2575C>A (p.Pro859Thr)

Gene: PCARE (photoreceptor cilium actin regulator; minus strand). Cytogenetic location: 2p23.2.
Variant type: single nucleotide variant.
Coding change: c.2575C>A on transcript NM_001029883.3 (MANE Select); coding-DNA position 2575, C replaced by A.
Protein change: p.Pro859Thr; replaces proline 859 with threonine.
Molecular consequence: missense variant.
Genome position (GRCh38, 1-based): chr2:29,071,687, G>T on the plus strand (C>A on the coding strand, the complement: PCARE is on the minus strand). VCF-style: chr2-29071687-G-T. GRCh37 (hg19) VCF-style: chr2-29294553-G-T.
Other names: short protein forms P859T.
Identifiers: ClinVar variation 3001593 (VCV003001593.3), dbSNP rs1379036045, ClinGen allele CA346477200.

ClinVar aggregate classification (germline): Uncertain significance (1 of 4 stars; one submission).

Allele frequency attached by ClinVar (database versions not stated): TOPMed 0.00001; gnomAD exomes below 0.00001.
gnomAD v4.1: 2 of 1,614,084 alleles (0.00012%); highest among the groups gnomAD compares: East Asian, 0.0045%; no homozygotes.

Submission:

Labcorp Genetics (formerly Invitae), Labcorp
Classification: Uncertain significance. Last evaluated: 2024-12-16. Review status: criteria provided, single submitter. Criteria: Invitae Variant Classification Sherloc (09022015). Collection method: clinical testing. Allele origin: germline.
Comment: This sequence change replaces proline, which is neutral and non-polar, with threonine, which is neutral and polar, at codon 859 of the PCARE protein (p.Pro859Thr). This variant is present in population databases (no rsID available, gnomAD 0.006%). This variant has not been reported in the literature in individuals affected with PCARE-related conditions. ClinVar contains an entry for this variant (Variation ID: 3001593). An algorithm developed to predict the effect of missense changes on protein structure and function (PolyPhen-2) suggests that this variant is likely to be tolerated. In summary, the available evidence is currently insufficient to determine the role of this variant in disease. Therefore, it has been classified as a Variant of Uncertain Significance.